The following is an entry in ClinVar:

NM_001384732.1(CPLANE1):c.221C>T (p.Ala74Val)

Gene: CPLANE1 (ciliogenesis and planar polarity effector complex subunit 1; minus strand). Cytogenetic location: 5p13.2.
Variant type: single nucleotide variant.
Coding change: c.221C>T on transcript NM_001384732.1 (MANE Select); coding-DNA position 221, C replaced by T.
Protein change: p.Ala74Val; replaces alanine 74 with valine.
Molecular consequence: missense variant.
Genome position (GRCh38, 1-based): chr5:37,245,595, G>A on the plus strand (C>T on the coding strand, the complement: CPLANE1 is on the minus strand). VCF-style: chr5-37245595-G-A. GRCh37 (hg19) VCF-style: chr5-37245697-G-A.
Other names: c.221C>T, p.Ala74Val (NM_023073.4); short protein forms A74V.
Identifiers: ClinVar variation 197337 (VCV000197337.23), dbSNP rs139496915, ClinGen allele CA245417.
Genomic context (GRCh38, chr5:37,245,595, plus strand): 5'-CAATCTTGATCTTTGTTCCAAAGGAAAAGCTCTCCTGTAGTTAGTACCCCAGCCAGCCAG[G>A]CATCTGTTTCCAAAAATGAAATGCAATACTTACAATCTAGTATTTCCTTTAACATCACCC-3'
Protein context (NP_001371661.1, residues 64-84): VIVLTTSSND[Ala74Val]WLAGVLTTGE

ClinVar aggregate classification (germline): Conflicting classifications of pathogenicity. Review status: criteria provided, conflicting classifications (1 of 4 stars). 8 submissions from 8 submitters: Uncertain significance (4); Likely benign (3). 1 of the submissions does not count toward it. Last evaluated 2026-03-01.

Conditions:
CPLANE1-related disorder. Also called: CPLANE1-related condition.
Orofaciodigital syndrome type 6 (OFD6). Also called: Oral-facial-digital syndrome type 6; Central polydactyly cleft lip/palate or lingual lump and psychomotor retardation; Y-shaped central metacarpal and cerebellar defect; Joubert syndrome with orofacialdigital anomalies; OROFACIODIGITAL SYNDROME VI; OFDS VI. Identifiers: Orphanet 2754, MedGen C2745997, MONDO:0010176, OMIM 277170.
Joubert syndrome 17 (JBTS17). Identifiers: Orphanet 475, MedGen C3553264, MONDO:0013824, OMIM 614615.
Inborn genetic diseases. Identifiers: MedGen C0950123, MeSH D030342.

Allele frequency attached by ClinVar (database versions not stated): 1000 Genomes Project 30x 0.00016; gnomAD 0.00019 and 0.00020; TOPMed 0.00024.
gnomAD v4.1: 300 of 1,506,938 alleles (0.02%); highest among the groups gnomAD compares: Non-Finnish European, 0.022%; no homozygotes.

Submissions (8):

CeGaT Center for Human Genetics Tuebingen
Classification: Uncertain significance. Last evaluated: 2026-03-01. Review status: criteria provided, single submitter. Criteria: CeGaT Center For Human Genetics Tuebingen Variant Classification Criteria Version 2. Collection method: clinical testing. Allele origin: germline. Affected: yes. Observed: 1 variant allele.
Comment: CPLANE1: PM2, PM3:Supporting, BP4

Labcorp Genetics (formerly Invitae), Labcorp
Classification: Likely benign. Last evaluated: 2026-01-28. Review status: criteria provided, single submitter. Criteria: Invitae Variant Classification Sherloc (09022015). Collection method: clinical testing. Allele origin: germline.

Blueprint Genetics
Classification: Likely benign. Last evaluated: 2024-09-18. Review status: criteria provided, single submitter. Criteria: ACMG Guidelines, 2015. Collection method: clinical testing. Allele origin: germline.

Ambry Genetics
Classification: Likely benign for Inborn genetic diseases. Last evaluated: 2024-06-07. Review status: criteria provided, single submitter. Criteria: Ambry Variant Classification Scheme 2023. Collection method: clinical testing. Allele origin: germline.

Fulgent Genetics
Classification: Uncertain significance for Orofaciodigital syndrome type 6; Joubert syndrome 17. Last evaluated: 2024-05-15. Review status: criteria provided, single submitter. Criteria: ACMG Guidelines, 2015. Collection method: clinical testing. Allele origin: germline.

Illumina Laboratory Services, Illumina
Classification: Uncertain significance for Joubert syndrome 17. Last evaluated: 2017-04-27. Review status: criteria provided, single submitter. Criteria: ICSL Variant Classification Criteria 13 December 2019. Collection method: clinical testing. Allele origin: germline.

Eurofins Ntd Llc (ga)
Classification: Uncertain significance. Last evaluated: 2014-11-19. Review status: criteria provided, single submitter. Criteria: EGL Classification Definitions 2015. Collection method: clinical testing. Allele origin: germline. Observed: 1 variant allele, 1 heterozygote.

PreventionGenetics, part of Exact Sciences
Classification: Uncertain significance for CPLANE1-related condition. Last evaluated: 2024-05-10. Review status: no assertion criteria provided. Collection method: clinical testing. Allele origin: germline. Not counted in ClinVar's aggregate classification.
Comment: The CPLANE1 c.221C>T variant is predicted to result in the amino acid substitution p.Ala74Val. To our knowledge, this variant has not been reported in the literature. This variant is reported in 0.14% of alleles in individuals of Ashkenazi Jewish descent in gnomAD. Although we suspect that this variant may be benign, at this time, the clinical significance of this variant is uncertain due to the absence of conclusive functional and genetic evidence.

Literature cited by the submitters: PubMed 36413997 (cited by Ambry Genetics).